The following is an entry in ClinVar:

ClinVar aggregate classification (germline): Uncertain significance. Review status: criteria provided, multiple submitters, no conflicts (2 of 4 stars). 2 submissions from 2 submitters: Uncertain significance (2). Last evaluated 2025-08-12.

Conditions:
Inborn genetic diseases. Identifiers: MedGen C0950123, MeSH D030342.
Sulfite oxidase deficiency due to molybdenum cofactor deficiency type A. Also called: Molybdenum cofactor deficiency, complementation group A; Molybdenum Cofactor Deficiency A. Identifiers: Orphanet 308386, Orphanet 833, MedGen C1854988, MONDO:0009643, OMIM 252150.

Allele frequency attached by ClinVar (database versions not stated): gnomAD exomes below 0.00001.

Submissions (2):

Labcorp Genetics (formerly Invitae), Labcorp
Classification: Uncertain significance for Sulfite oxidase deficiency due to molybdenum cofactor deficiency type A. Last evaluated: 2025-08-12. Review status: criteria provided, single submitter. Criteria: Invitae Variant Classification Sherloc (09022015). Collection method: clinical testing. Allele origin: germline.
Comment: This sequence change replaces lysine, which is basic and polar, with asparagine, which is neutral and polar, at codon 186 of the MOCS1 protein (p.Lys186Asn). This variant is not present in population databases (gnomAD no frequency). This variant has not been reported in the literature in individuals affected with MOCS1-related conditions. ClinVar contains an entry for this variant (Variation ID: 1047113). An algorithm developed to predict the effect of missense changes on protein structure and function (PolyPhen-2) suggests that this variant is likely to be disruptive. In summary, the available evidence is currently insufficient to determine the role of this variant in disease. Therefore, it has been classified as a Variant of Uncertain Significance.

Ambry Genetics
Classification: Uncertain significance for Inborn genetic diseases. Last evaluated: 2024-12-03. Review status: criteria provided, single submitter. Criteria: Ambry Variant Classification Scheme 2023. Collection method: clinical testing. Allele origin: germline.

NM_001358530.2(MOCS1):c.558G>C (p.Lys186Asn)

Gene: MOCS1 (molybdenum cofactor synthesis 1; minus strand). Cytogenetic location: 6p21.2.
Variant type: single nucleotide variant.
Coding change: c.558G>C on transcript NM_001358530.2 (MANE Select); coding-DNA position 558, G replaced by C.
Protein change: p.Lys186Asn; replaces lysine 186 with asparagine.
Molecular consequence: missense variant. On other transcripts: non-coding transcript variant (1).
Genome position (GRCh38, 1-based): chr6:39,916,093, C>G on the plus strand (G>C on the coding strand, the complement: MOCS1 is on the minus strand). VCF-style: chr6-39916093-C-G. GRCh37 (hg19) VCF-style: chr6-39883837-C-G.
Other names: c.558G>C, p.Lys186Asn (NM_001075098.4, NM_001358529.2, NM_005943.6); c.297G>C, p.Lys99Asn (NM_001358531.2, NM_001358533.2, NM_001358534.2); c.558G>C (NM_005943.5); short protein forms K186N, K99N.
Identifiers: ClinVar variation 1047113 (VCV001047113.6), dbSNP rs1767641412, ClinGen allele CA364044327.